The following is an entry in ClinVar:

ClinVar aggregate classification (germline): Uncertain significance (1 of 4 stars; one submission).

Allele frequency attached by ClinVar (database versions not stated): ExAC 0.00001.
gnomAD v4.1: 2 of 1,614,206 alleles (0.00012%); highest among the groups gnomAD compares: Non-Finnish European, 0.00017%; no homozygotes.

Submission:

Labcorp Genetics (formerly Invitae), Labcorp
Classification: Uncertain significance. Last evaluated: 2023-09-10. Review status: criteria provided, single submitter. Criteria: Invitae Variant Classification Sherloc (09022015). Collection method: clinical testing. Allele origin: germline.
Comment: In summary, the available evidence is currently insufficient to determine the role of this variant in disease. Therefore, it has been classified as a Variant of Uncertain Significance. Advanced modeling of protein sequence and biophysical properties (such as structural, functional, and spatial information, amino acid conservation, physicochemical variation, residue mobility, and thermodynamic stability) performed at Invitae indicates that this missense variant is expected to disrupt DUOX2 protein function. This variant has not been reported in the literature in individuals affected with DUOX2-related conditions. This variant is present in population databases (rs761557440, gnomAD 0.0009%). This sequence change replaces leucine, which is neutral and non-polar, with histidine, which is basic and polar, at codon 1228 of the DUOX2 protein (p.Leu1228His).

NM_001363711.2(DUOX2):c.3683T>A (p.Leu1228His)

Gene: DUOX2 (dual oxidase 2; minus strand). Cytogenetic location: 15q21.1.
Variant type: single nucleotide variant.
Coding change: c.3683T>A on transcript NM_001363711.2 (MANE Select); coding-DNA position 3683, T replaced by A.
Protein change: p.Leu1228His; replaces leucine 1228 with histidine.
Molecular consequence: missense variant.
Genome position (GRCh38, 1-based): chr15:45,097,624, A>T on the plus strand (T>A on the coding strand, the complement: DUOX2 is on the minus strand). VCF-style: chr15-45097624-A-T. GRCh37 (hg19) VCF-style: chr15-45389822-A-T.
Other names: c.3683T>A, p.Leu1228His (NM_014080.5); short protein forms L1228H.
Identifiers: ClinVar variation 2844716 (VCV002844716.3), dbSNP rs761557440, ClinGen allele CA7537774.